The following is an entry in ClinVar:

ClinVar aggregate classification (germline): Uncertain significance. Review status: criteria provided, multiple submitters, no conflicts (2 of 4 stars). 2 submissions from 2 submitters: Uncertain significance (2). Last evaluated 2025-08-21.

Conditions:
Eichsfeld type congenital muscular dystrophy (CMYO3). Also called: MYOPATHY, SEPN1-RELATED; SELENON-related myopathy; Congenital myopathy 3 with rigid spine; Rigid spine muscular dystrophy 1. Identifiers: MedGen C0410180, MONDO:0100100, OMIM 602771.
Inborn genetic diseases. Identifiers: MedGen C0950123, MeSH D030342.

Allele frequency attached by ClinVar (database versions not stated): gnomAD 0.00002 and 0.00001; gnomAD exomes 0.00003; ExAC 0.00004.
gnomAD v4.1: 36 of 1,613,594 alleles (0.0022%); highest among the groups gnomAD compares: South Asian, 0.023%; 2 homozygotes.

Submissions (2):

Labcorp Genetics (formerly Invitae), Labcorp
Classification: Uncertain significance for Eichsfeld type congenital muscular dystrophy. Last evaluated: 2025-08-21. Review status: criteria provided, single submitter. Criteria: Invitae Variant Classification Sherloc (09022015). Collection method: clinical testing. Allele origin: germline.
Comment: This sequence change replaces arginine, which is basic and polar, with glutamine, which is neutral and polar, at codon 254 of the SELENON protein (p.Arg254Gln). This variant is present in population databases (rs779808108, gnomAD 0.01%). This variant has not been reported in the literature in individuals affected with SELENON-related conditions. ClinVar contains an entry for this variant (Variation ID: 1518846). An algorithm developed to predict the effect of missense changes on protein structure and function (PolyPhen-2) suggests that this variant is likely to be tolerated. In summary, the available evidence is currently insufficient to determine the role of this variant in disease. Therefore, it has been classified as a Variant of Uncertain Significance.

Ambry Genetics
Classification: Uncertain significance for Inborn genetic diseases. Last evaluated: 2022-07-12. Review status: criteria provided, single submitter. Criteria: Ambry Variant Classification Scheme 2023. Collection method: clinical testing. Allele origin: germline.

NM_206926.2(SELENON):c.659G>A (p.Arg220Gln)

Gene: SELENON (selenoprotein N; plus strand). Cytogenetic location: 1p36.11.
Variant type: single nucleotide variant.
Coding change: c.659G>A on transcript NM_206926.2 (MANE Select); coding-DNA position 659, G replaced by A.
Protein change: p.Arg220Gln; replaces arginine 220 with glutamine.
Molecular consequence: missense variant.
Genome position (GRCh38, 1-based): chr1:25,809,039, G>A. VCF-style: chr1-25809039-G-A. GRCh37 (hg19) VCF-style: chr1-26135530-G-A.
Other names: c.761G>A, p.Arg254Gln (NM_020451.3); c.761G>A (NM_020451.2); short protein forms R254Q, R220Q.
Identifiers: ClinVar variation 1518846 (VCV001518846.7), dbSNP rs779808108, ClinGen allele CA696642.